The following is an entry in ClinVar:

NM_000057.4(BLM):c.2444A>C (p.Asn815Thr)

Gene: BLM (BLM RecQ like helicase; plus strand). Cytogenetic location: 15q26.1.
Variant type: single nucleotide variant.
Coding change: c.2444A>C on transcript NM_000057.4 (MANE Select); coding-DNA position 2444, A replaced by C.
Protein change: p.Asn815Thr; replaces asparagine 815 with threonine.
Molecular consequence: missense variant.
Genome position (GRCh38, 1-based): chr15:90,769,475, A>C. VCF-style: chr15-90769475-A-C. GRCh37 (hg19) VCF-style: chr15-91312705-A-C.
Other names: c.2444A>C, p.Asn815Thr (NM_001287246.2, NM_001287247.2); c.1319A>C, p.Asn440Thr (NM_001287248.2); short protein forms N440T, N815T.
Identifiers: ClinVar variation 3224214 (VCV003224214.1), dbSNP rs2505456568, ClinGen allele CA393845336.

ClinVar aggregate classification (germline): Uncertain significance (1 of 4 stars; one submission).

Conditions:
Hereditary cancer-predisposing syndrome. Also called: Tumor predisposition; Hereditary neoplastic syndrome; Hereditary Cancer Syndrome; Neoplastic Syndromes, Hereditary. Identifiers: Orphanet 140162, MedGen C0027672, MeSH D009386, MONDO:0015356.

Submission:

Ambry Genetics
Classification: Uncertain significance for Hereditary cancer-predisposing syndrome. Last evaluated: 2023-10-21. Review status: criteria provided, single submitter. Criteria: Ambry Variant Classification Scheme 2023. Collection method: clinical testing. Allele origin: germline.
Comment: The p.N815T variant (also known as c.2444A>C), located in coding exon 11 of the BLM gene, results from an A to C substitution at nucleotide position 2444. The asparagine at codon 815 is replaced by threonine, an amino acid with similar properties. This amino acid position is conserved. In addition, this alteration is predicted to be tolerated by in silico analysis. Since supporting evidence is limited at this time, the clinical significance of this alteration remains unclear.